The following is an entry in ClinVar:

NM_017849.4(TMEM127):c.278T>G (p.Leu93Arg)

Gene: TMEM127 (transmembrane protein 127; minus strand). Cytogenetic location: 2q11.2.
Variant type: single nucleotide variant.
Coding change: c.278T>G on transcript NM_017849.4 (MANE Select); coding-DNA position 278, T replaced by G.
Protein change: p.Leu93Arg; replaces leucine 93 with arginine.
Molecular consequence: missense variant.
Genome position (GRCh38, 1-based): chr2:96,254,964, A>C on the plus strand (T>G on the coding strand, the complement: TMEM127 is on the minus strand). VCF-style: chr2-96254964-A-C. GRCh37 (hg19) VCF-style: chr2-96920702-A-C.
Other names: c.278T>G, p.Leu93Arg (NM_001193304.3); c.26T>G, p.Leu9Arg (NM_001407282.1, NM_001407283.1); short protein forms L9R, L93R.
Identifiers: ClinVar variation 2915254 (VCV002915254.4), dbSNP rs2467266627, ClinGen allele CA347653589.
Genomic context (GRCh38, chr2:96,254,964, plus strand): 5'-AGAAGGAAAGCGGAGAGACTACACAGGATGCCCAGGAAACAGAAGGCGGCGATGACCCGC[A>C]GGAGCAGCACTGTCTGGGGATTCATGCAGAAATCTGTAGAGGGAGAACCAAATTTTCACG-3'
Protein context (NP_060319.1, residues 83-103): FCMNPQTVLL[Leu93Arg]RVIAAFCFLG

ClinVar aggregate classification (germline): Uncertain significance. Review status: criteria provided, multiple submitters, no conflicts (2 of 4 stars). 2 submissions from 2 submitters: Uncertain significance (2). Last evaluated 2023-11-29.

Conditions:
Hereditary cancer-predisposing syndrome. Also called: Neoplastic Syndromes, Hereditary; Tumor predisposition; Hereditary Cancer Syndrome; Hereditary neoplastic syndrome. Identifiers: Orphanet 140162, MedGen C0027672, MeSH D009386, MONDO:0015356.
Hereditary pheochromocytoma and paraganglioma. Also called: Hereditary paragangliomas and pheochromocytomas; Hereditary Paraganglioma-Pheochromocytoma Syndromes; Hereditary pheochromocytoma-paraganglioma. Identifiers: Orphanet 29072, MedGen C4274332, MONDO:0017366.

Submissions (2):

Ambry Genetics
Classification: Uncertain significance for Hereditary cancer-predisposing syndrome. Last evaluated: 2023-11-29. Review status: criteria provided, single submitter. Criteria: Ambry Variant Classification Scheme 2023. Collection method: clinical testing. Allele origin: germline.
Comment: The p.L93R variant (also known as c.278T>G), located in coding exon 2 of the TMEM127 gene, results from a T to G substitution at nucleotide position 278. The leucine at codon 93 is replaced by arginine, an amino acid with dissimilar properties. This amino acid position is conserved. In addition, this alteration is predicted to be deleterious by in silico analysis. Since supporting evidence is limited at this time, the clinical significance of this alteration remains unclear.

Labcorp Genetics (formerly Invitae), Labcorp
Classification: Uncertain significance for Hereditary pheochromocytoma and paraganglioma. Last evaluated: 2023-03-20. Review status: criteria provided, single submitter. Criteria: Invitae Variant Classification Sherloc (09022015). Collection method: clinical testing. Allele origin: germline.
Comment: This sequence change replaces leucine, which is neutral and non-polar, with arginine, which is basic and polar, at codon 93 of the TMEM127 protein (p.Leu93Arg). This variant is not present in population databases (gnomAD no frequency). This variant has not been reported in the literature in individuals affected with TMEM127-related conditions. An algorithm developed to predict the effect of missense changes on protein structure and function (PolyPhen-2) suggests that this variant is likely to be disruptive. In summary, the available evidence is currently insufficient to determine the role of this variant in disease. Therefore, it has been classified as a Variant of Uncertain Significance.